The following is an entry in ClinVar:

NM_173728.4(ARHGEF15):c.2479G>T (p.Glu827Ter)

Gene: ARHGEF15 (Rho guanine nucleotide exchange factor 15; plus strand). Cytogenetic location: 17p13.1.
Variant type: single nucleotide variant.
Coding change: c.2479G>T on transcript NM_173728.4 (MANE Select); coding-DNA position 2479, G replaced by T.
Protein change: p.Glu827Ter; replaces glutamic acid 827 with a stop codon.
Molecular consequence: nonsense.
Genome position (GRCh38, 1-based): chr17:8,320,946, G>T. VCF-style: chr17-8320946-G-T. GRCh37 (hg19) VCF-style: chr17-8224264-G-T.
Other names: c.2479G>T, p.Glu827Ter (NM_025014.2); short protein forms E827*.
Identifiers: ClinVar variation 2041013 (VCV002041013.4), dbSNP rs753665973, ClinGen allele CA398026111.

ClinVar aggregate classification (germline): Uncertain significance (1 of 4 stars; one submission).

Conditions:
Early-infantile DEE. Also called: Early infantile epileptic encephalopathy with suppression bursts; Ohtahara syndrome; Early infantile epileptic encephalopathy. Identifiers: Orphanet 1934, MedGen C0393706, MONDO:0800491.

Submission:

Labcorp Genetics (formerly Invitae), Labcorp
Classification: Uncertain significance for Early-infantile DEE. Last evaluated: 2022-05-10. Review status: criteria provided, single submitter. Criteria: Invitae Variant Classification Sherloc (09022015). Collection method: clinical testing. Allele origin: germline.
Comment: This variant has not been reported in the literature in individuals affected with ARHGEF15-related conditions. Experimental studies and prediction algorithms are not available or were not evaluated, and the functional significance of this variant is currently unknown. In summary, the available evidence is currently insufficient to determine the role of this variant in disease. Therefore, it has been classified as a Variant of Uncertain Significance. This sequence change creates a premature translational stop signal (p.Glu827*) in the ARHGEF15 gene. While this is not anticipated to result in nonsense mediated decay, it is expected to disrupt the last 15 amino acid(s) of the ARHGEF15 protein. This variant is not present in population databases (gnomAD no frequency).